The following is an entry in ClinVar:

ClinVar aggregate classification (germline): Likely benign. Review status: criteria provided, multiple submitters, no conflicts (2 of 4 stars). 2 submissions from 2 submitters: Likely benign (2). Last evaluated 2022-12-29.

Conditions:
FG syndrome (FGS). Identifiers: MedGen C0220769, MONDO:0002010.

Allele frequency attached by ClinVar (database versions not stated): TOPMed below 0.00001; ExAC 0.00001; gnomAD 0.00001; gnomAD exomes 0.00002; 1000 Genomes Project 30x 0.00021.
gnomAD v4.1: 17 of 1,208,750 alleles (0.0014%); highest among the groups gnomAD compares: South Asian, 0.0018%; no homozygotes.

Submissions (2):

Labcorp Genetics (formerly Invitae), Labcorp
Classification: Likely benign for FG syndrome. Last evaluated: 2022-12-29. Review status: criteria provided, single submitter. Criteria: Invitae Variant Classification Sherloc (09022015). Collection method: clinical testing. Allele origin: germline.

CeGaT Center for Human Genetics Tuebingen
Classification: Likely benign. Last evaluated: 2022-09-01. Review status: criteria provided, single submitter. Criteria: CeGaT Center For Human Genetics Tuebingen Variant Classification Criteria Version 2. Collection method: clinical testing. Allele origin: germline. Affected: yes. Observed: 1 variant allele.
Comment: MED12: BP4, BP7

NM_005120.3(MED12):c.2178C>T (p.Tyr726=)

Gene: MED12 (mediator complex subunit 12; plus strand). Cytogenetic location: Xq13.1.
Variant type: single nucleotide variant.
Coding change: c.2178C>T on transcript NM_005120.3 (MANE Select); coding-DNA position 2178, C replaced by T.
Protein change: p.Tyr726=; no amino-acid change (tyrosine 726 retained).
Molecular consequence: synonymous variant.
Genome position (GRCh38, 1-based): chrX:71,125,098, C>T. VCF-style: chrX-71125098-C-T. GRCh37 (hg19) VCF-style: chrX-70344948-C-T.
Identifiers: ClinVar variation 2660843 (VCV002660843.27), dbSNP rs763782632, ClinGen allele CA10444303.